The following is an entry in ClinVar:

ClinVar aggregate classification (germline): Uncertain significance (1 of 4 stars; one submission).

Submission:

Labcorp Genetics (formerly Invitae), Labcorp
Classification: Uncertain significance. Last evaluated: 2022-04-25. Review status: criteria provided, single submitter. Criteria: Invitae Variant Classification Sherloc (09022015). Collection method: clinical testing. Allele origin: germline.
Comment: This sequence change replaces aspartic acid, which is acidic and polar, with glutamic acid, which is acidic and polar, at codon 644 of the ABCA4 protein (p.Asp644Glu). This variant is not present in population databases (gnomAD no frequency). This variant has not been reported in the literature in individuals affected with ABCA4-related conditions. Algorithms developed to predict the effect of missense changes on protein structure and function (SIFT, PolyPhen-2, Align-GVGD) all suggest that this variant is likely to be disruptive. In summary, the available evidence is currently insufficient to determine the role of this variant in disease. Therefore, it has been classified as a Variant of Uncertain Significance.

NM_000350.3(ABCA4):c.1932C>A (p.Asp644Glu)

Gene: ABCA4 (ATP binding cassette subfamily A member 4; minus strand). Cytogenetic location: 1p22.1.
Variant type: single nucleotide variant.
Coding change: c.1932C>A on transcript NM_000350.3 (MANE Select); coding-DNA position 1932, C replaced by A.
Protein change: p.Asp644Glu; replaces aspartic acid 644 with glutamic acid.
Molecular consequence: missense variant.
Genome position (GRCh38, 1-based): chr1:94,062,582, G>T on the plus strand (C>A on the coding strand, the complement: ABCA4 is on the minus strand). VCF-style: chr1-94062582-G-T. GRCh37 (hg19) VCF-style: chr1-94528138-G-T.
Other names: c.1932C>A, p.Asp644Glu (NM_001425324.1); short protein forms D644E.
Identifiers: ClinVar variation 2055356 (VCV002055356.1), dbSNP rs117400594, ClinGen allele CA341279139.